The following is an entry in ClinVar:

ClinVar aggregate classification (germline): Uncertain significance (1 of 4 stars; one submission).

Submission:

GeneDx
Classification: Uncertain significance. Last evaluated: 2025-03-11. Review status: criteria provided, single submitter. Criteria: GeneDx Variant Classification Process June 2021. Collection method: clinical testing. Allele origin: germline. Affected: yes.
Comment: Not observed at significant frequency in large population cohorts (gnomAD); In silico analysis indicates that this missense variant does not alter protein structure/function; Has not been previously published as pathogenic or benign to our knowledge

NM_022114.4(PRDM16):c.2335C>T (p.Pro779Ser)

Gene: PRDM16 (PR/SET domain 16; plus strand). Cytogenetic location: 1p36.32.
Variant type: single nucleotide variant.
Coding change: c.2335C>T on transcript NM_022114.4 (MANE Select); coding-DNA position 2335, C replaced by T.
Protein change: p.Pro779Ser; replaces proline 779 with serine.
Molecular consequence: missense variant.
Genome position (GRCh38, 1-based): chr1:3,412,532, C>T. VCF-style: chr1-3412532-C-T. GRCh37 (hg19) VCF-style: chr1-3329096-C-T.
Other names: c.2335C>T, p.Pro779Ser (NM_199454.3); short protein forms P779S.
Identifiers: ClinVar variation 4083140 (VCV004083140.1).